The following is an entry in ClinVar:

ClinVar aggregate classification (germline): Uncertain significance. Review status: criteria provided, multiple submitters, no conflicts (2 of 4 stars). 2 submissions from 2 submitters: Uncertain significance (2). Last evaluated 2024-02-17.

Conditions:
Inborn genetic diseases. Identifiers: MedGen C0950123, MeSH D030342.
Predisposition to invasive fungal disease due to CARD9 deficiency (IMD103). Also called: CARD9 IMMUNODEFICIENCY; Candidiasis, familial, 2, autosomal recessive; IMMUNODEFICIENCY 103, SUSCEPTIBILITY TO FUNGAL INFECTIONS. Identifiers: Orphanet 457088, MedGen C1859353, MONDO:0008905, OMIM 212050.

Allele frequency attached by ClinVar (database versions not stated): gnomAD 0.00001; gnomAD exomes 0.00001 and 0.00007; TOPMed 0.00004; ExAC 0.00010.
gnomAD v4.1: 13 of 1,597,546 alleles (0.00081%); highest among the groups gnomAD compares: East Asian, 0.027%; no homozygotes.

Submissions (2):

Ambry Genetics
Classification: Uncertain significance for Inborn genetic diseases. Last evaluated: 2024-02-17. Review status: criteria provided, single submitter. Criteria: Ambry Variant Classification Scheme 2023. Collection method: clinical testing. Allele origin: germline.

Labcorp Genetics (formerly Invitae), Labcorp
Classification: Uncertain significance for Predisposition to invasive fungal disease due to CARD9 deficiency. Last evaluated: 2022-08-19. Review status: criteria provided, single submitter. Criteria: Invitae Variant Classification Sherloc (09022015). Collection method: clinical testing. Allele origin: germline.
Comment: This sequence change replaces leucine, which is neutral and non-polar, with phenylalanine, which is neutral and non-polar, at codon 413 of the CARD9 protein (p.Leu413Phe). This variant is present in population databases (rs752685448, gnomAD 0.08%). This variant has not been reported in the literature in individuals affected with CARD9-related conditions. ClinVar contains an entry for this variant (Variation ID: 1004830). Algorithms developed to predict the effect of missense changes on protein structure and function are either unavailable or do not agree on the potential impact of this missense change (SIFT: "Deleterious"; PolyPhen-2: "Probably Damaging"; Align-GVGD: "Class C0"). Algorithms developed to predict the effect of sequence changes on RNA splicing suggest that this variant may create or strengthen a splice site. In summary, the available evidence is currently insufficient to determine the role of this variant in disease. Therefore, it has been classified as a Variant of Uncertain Significance.

NM_052813.5(CARD9):c.1237C>T (p.Leu413Phe)

Gene: CARD9 (caspase recruitment domain family member 9; minus strand). Cytogenetic location: 9q34.3.
Variant type: single nucleotide variant.
Coding change: c.1237C>T on transcript NM_052813.5 (MANE Select); coding-DNA position 1237, C replaced by T.
Protein change: p.Leu413Phe; replaces leucine 413 with phenylalanine.
Molecular consequence: missense variant.
Genome position (GRCh38, 1-based): chr9:136,367,669, G>A on the plus strand (C>T on the coding strand, the complement: CARD9 is on the minus strand). VCF-style: chr9-136367669-G-A. GRCh37 (hg19) VCF-style: chr9-139262121-G-A.
Other names: c.1237C>T, p.Leu413Phe (NM_052814.4); c.1237C>T (NM_052813.4); short protein forms L413F.
Identifiers: ClinVar variation 1004830 (VCV001004830.7), dbSNP rs752685448, ClinGen allele CA5332790.
Genomic context (GRCh38, chr9:136,367,669, plus strand): 5'-CCCTCCCTGCCGCAGGCCCCAGGCCCACCAGGACGAGCGTCTCCAGCTGCTGCCGCCTGA[G>A]CCTGCCCTCCACGGCCAGTAGCTGCGCCTCACACTGGAACACCTGCAGCTGCAGCTCATC-3'
Protein context (NP_434700.2, residues 403-423): EAQLLAVEGR[Leu413Phe]RRQQLETLVL